The following is an entry in ClinVar:

NM_024570.4(RNASEH2B):c.580T>C (p.Phe194Leu)

Gene: RNASEH2B (ribonuclease H2 subunit B; plus strand). Cytogenetic location: 13q14.3.
Variant type: single nucleotide variant.
Coding change: c.580T>C on transcript NM_024570.4 (MANE Select); coding-DNA position 580, T replaced by C.
Protein change: p.Phe194Leu; replaces phenylalanine 194 with leucine.
Molecular consequence: missense variant.
Genome position (GRCh38, 1-based): chr13:50,945,496, T>C. VCF-style: chr13-50945496-T-C. GRCh37 (hg19) VCF-style: chr13-51519632-T-C.
Other names: c.580T>C, p.Phe194Leu (NM_001142279.2, NM_001411023.1); short protein forms F194L.
Identifiers: ClinVar variation 2128399 (VCV002128399.1), dbSNP rs1183556285, ClinGen allele CA388259680.

ClinVar aggregate classification (germline): Uncertain significance (1 of 4 stars; one submission).

Conditions:
Aicardi-Goutieres syndrome 2. Identifiers: Orphanet 51, MedGen C3489724, MONDO:0012429, OMIM 610181.

Allele frequency attached by ClinVar (database versions not stated): gnomAD exomes 0.00001.
gnomAD v4.1: 7 of 1,613,438 alleles (0.00043%); highest among the groups gnomAD compares: Non-Finnish European, 0.00059%; no homozygotes.

Submission:

Labcorp Genetics (formerly Invitae), Labcorp
Classification: Uncertain significance for Aicardi-Goutieres syndrome 2. Last evaluated: 2022-06-30. Review status: criteria provided, single submitter. Criteria: Invitae Variant Classification Sherloc (09022015). Collection method: clinical testing. Allele origin: germline.
Comment: This sequence change replaces phenylalanine, which is neutral and non-polar, with leucine, which is neutral and non-polar, at codon 194 of the RNASEH2B protein (p.Phe194Leu). This variant is present in population databases (no rsID available, gnomAD 0.0009%). This variant has not been reported in the literature in individuals affected with RNASEH2B-related conditions. Algorithms developed to predict the effect of missense changes on protein structure and function (SIFT, PolyPhen-2, Align-GVGD) all suggest that this variant is likely to be tolerated. In summary, the available evidence is currently insufficient to determine the role of this variant in disease. Therefore, it has been classified as a Variant of Uncertain Significance.